The following is an entry in ClinVar:

ClinVar aggregate classification (germline): Uncertain significance (1 of 4 stars; one submission).

Allele frequency attached by ClinVar (database versions not stated): TOPMed below 0.00001; ExAC 0.00002; gnomAD exomes 0.00002.
gnomAD v4.1: 26 of 1,614,132 alleles (0.0016%); highest among the groups gnomAD compares: Non-Finnish European, 0.0022%; no homozygotes.

Submission:

Labcorp Genetics (formerly Invitae), Labcorp
Classification: Uncertain significance. Last evaluated: 2022-03-23. Review status: criteria provided, single submitter. Criteria: Invitae Variant Classification Sherloc (09022015). Collection method: clinical testing. Allele origin: germline.
Comment: This sequence change replaces serine, which is neutral and polar, with cysteine, which is neutral and slightly polar, at codon 207 of the TYRP1 protein (p.Ser207Cys). This variant is present in population databases (rs781481536, gnomAD 0.006%). This variant has not been reported in the literature in individuals affected with TYRP1-related conditions. Algorithms developed to predict the effect of missense changes on protein structure and function are either unavailable or do not agree on the potential impact of this missense change (SIFT: "Deleterious"; PolyPhen-2: "Probably Damaging"; Align-GVGD: "Class C0"). In summary, the available evidence is currently insufficient to determine the role of this variant in disease. Therefore, it has been classified as a Variant of Uncertain Significance.

NM_000550.3(TYRP1):c.619A>T (p.Ser207Cys)

Gene: TYRP1 (tyrosinase related protein 1; plus strand). Cytogenetic location: 9p23.
Variant type: single nucleotide variant.
Coding change: c.619A>T on transcript NM_000550.3 (MANE Select); coding-DNA position 619, A replaced by T.
Protein change: p.Ser207Cys; replaces serine 207 with cysteine.
Molecular consequence: missense variant.
Genome position (GRCh38, 1-based): chr9:12,695,748, A>T. VCF-style: chr9-12695748-A-T. GRCh37 (hg19) VCF-style: chr9-12695748-A-T.
Other names: short protein forms S207C.
Identifiers: ClinVar variation 2116174 (VCV002116174.1), dbSNP rs781481536, ClinGen allele CA4985268.
Genomic context (GRCh38, chr9:12,695,748, plus strand): 5'-TACTTTGTTTGGACACACTATTACTCAGTCAAAAAGACTTTCCTTGGGGTAGGACAGGAA[A>T]GCTTTGGTGAAGTGGATTTCTCTCATGAGGGACCAGCTTTTCTCACATGGCACAGGTACC-3'
Protein context (NP_000541.1, residues 197-217): KKTFLGVGQE[Ser207Cys]FGEVDFSHEG